The following is an entry in ClinVar:

ClinVar aggregate classification (germline): Conflicting classifications of pathogenicity. Review status: criteria provided, conflicting classifications (1 of 4 stars). 3 submissions from 3 submitters: Uncertain significance (1); Likely benign (1). 1 of the submissions does not count toward it. Last evaluated 2022-06-17.

Conditions:
SGCE-related disorder. Also called: SGCE-related condition.
Myoclonic dystonia 11 (DYT11). Also called: Myoclonic dystonia; Dystonia 11; Dystonia, alcohol responsive; Hereditary essential myoclonus; DYT-SGCE; SGCE Myoclonus-Dystonia. Identifiers: Orphanet 36899, MedGen C1834570, MONDO:0008044, OMIM 159900.

Allele frequency attached by ClinVar (database versions not stated): 1000 Genomes Project 30x 0.00016; gnomAD 0.00019; 1000 Genomes Project 0.00020; gnomAD exomes 0.00022; TOPMed 0.00024.
gnomAD v4.1: 40 of 165,732 alleles (0.024%); highest among the groups gnomAD compares: East Asian, 0.32%; no homozygotes.

Submissions (3):

Blueprint Genetics
Classification: Likely benign. Last evaluated: 2022-06-17. Review status: criteria provided, single submitter. Criteria: ACMG Guidelines, 2015. Collection method: clinical testing. Allele origin: germline.

Department of Neurology, Xijing Hospital, Fourth Military Medical University
Classification: Uncertain significance for Myoclonic dystonia 11. Last evaluated: 2022-03-01. Review status: criteria provided, single submitter. Criteria: ACMG Guidelines, 2015. Collection method: clinical testing. Allele origin: germline.

PreventionGenetics, part of Exact Sciences
Classification: Likely benign for SGCE-related condition. Last evaluated: 2019-08-21. Review status: no assertion criteria provided. Collection method: clinical testing. Allele origin: germline. Not counted in ClinVar's aggregate classification.
Comment: This variant is classified as likely benign based on ACMG/AMP sequence variant interpretation guidelines (Richards et al. 2015 PMID: 25741868, with internal and published modifications).

NM_003919.3(SGCE):c.1253+799G>A

Genes: CASD1 (CAS1 domain sialic acid O acetyltransferase 1; plus strand), SGCE (sarcoglycan epsilon; minus strand). Cytogenetic location: 7q21.3.
Variant type: single nucleotide variant.
Coding change: c.1253+799G>A on transcript NM_003919.3 (MANE Select); 799 bases into the intron after coding-DNA position 1253, G replaced by A.
Molecular consequence: intron variant. On other transcripts: missense variant (1).
Genome position (GRCh38, 1-based): chr7:94,597,976, C>T on the plus strand (G>A on the coding strand, the complement: SGCE is on the minus strand). VCF-style: chr7-94597976-C-T. GRCh37 (hg19) VCF-style: chr7-94227288-C-T.
Other names: c.1282G>A (NM_001099401.1); c.1282G>A, p.Gly428Arg (NM_001099401.2); c.1103+799G>A (NM_001362809.2); c.1130+799G>A (NM_001301139.2); c.1226+799G>A (NM_001346717.2, NM_001099400.2); c.1334+799G>A (NM_001346715.2); c.1361+799G>A (NM_001346713.2); c.1139+799G>A (NM_001362807.2); and 3 more; short protein forms G428R.
Identifiers: ClinVar variation 1698413 (VCV001698413.4), dbSNP rs368892695, ClinGen allele CA162919570.
Genomic context (GRCh38, chr7:94,597,976, plus strand): 5'-AGAATCACTTGAACCTGGGAGGCGGAGGCTGCAGTGAGCCAAGATCGCTCCATTGCACTC[C>T]AGCCTGGGCAACAGGAGCGAAACTCCATCTTAAAAAAAAAAAAGAAAAAAAGAGACATAT-3'